The following is an entry in ClinVar:

ClinVar aggregate classification (germline): Uncertain significance. Review status: criteria provided, multiple submitters, no conflicts (2 of 4 stars). 2 submissions from 2 submitters: Uncertain significance (2). Last evaluated 2023-02-24.

Conditions:
Nemaline myopathy 2 (NEM2). Also called: Nemaline myopathy 2, autosomal recessive. Identifiers: MedGen C1850569, MONDO:0009725, OMIM 256030.

Allele frequency attached by ClinVar (database versions not stated): gnomAD exomes 0.00001; TOPMed 0.00003.
gnomAD v4.1: 6 of 1,606,076 alleles (0.00037%); highest among the groups gnomAD compares: Admixed American, 0.0067%; no homozygotes.

Submissions (2):

GeneDx
Classification: Uncertain significance. Last evaluated: 2023-02-24. Review status: criteria provided, single submitter. Criteria: GeneDx Variant Classification Process June 2021. Collection method: clinical testing. Allele origin: germline. Affected: yes.
Comment: Not observed at significant frequency in large population cohorts (gnomAD); In silico analysis supports that this missense variant has a deleterious effect on protein structure/function; Has not been previously published as pathogenic or benign to our knowledge

Labcorp Genetics (formerly Invitae), Labcorp
Classification: Uncertain significance for Nemaline myopathy 2. Last evaluated: 2022-10-13. Review status: criteria provided, single submitter. Criteria: Invitae Variant Classification Sherloc (09022015). Collection method: clinical testing. Allele origin: germline.
Comment: This sequence change replaces tyrosine, which is neutral and polar, with histidine, which is basic and polar, at codon 6272 of the NEB protein (p.Tyr6272His). This variant is not present in population databases (gnomAD no frequency). This variant has not been reported in the literature in individuals affected with NEB-related conditions. ClinVar contains an entry for this variant (Variation ID: 1396295). Algorithms developed to predict the effect of missense changes on protein structure and function are either unavailable or do not agree on the potential impact of this missense change (SIFT: "Deleterious"; PolyPhen-2: "Not Available"; Align-GVGD: "Class C0"). In summary, the available evidence is currently insufficient to determine the role of this variant in disease. Therefore, it has been classified as a Variant of Uncertain Significance.

NM_001164508.2(NEB):c.18814T>C (p.Tyr6272His)

Gene: NEB (nebulin; minus strand). Cytogenetic location: 2q23.3.
Variant type: single nucleotide variant.
Coding change: c.18814T>C on transcript NM_001164508.2 (MANE Select); coding-DNA position 18814, T replaced by C.
Protein change: p.Tyr6272His; replaces tyrosine 6272 with histidine.
Molecular consequence: missense variant.
Genome position (GRCh38, 1-based): chr2:151,562,688, A>G on the plus strand (T>C on the coding strand, the complement: NEB is on the minus strand). VCF-style: chr2-151562688-A-G. GRCh37 (hg19) VCF-style: chr2-152419202-A-G.
Other names: c.18814T>C, p.Tyr6272His (NM_001164507.2, NM_001271208.2); c.13711T>C, p.Tyr4571His (NM_004543.5); c.18814T>C (NM_001271208.1); short protein forms Y4571H, Y6272H.
Identifiers: ClinVar variation 1396295 (VCV001396295.3), dbSNP rs921387109, ClinGen allele CA57656200.